The following is an entry in ClinVar:

ClinVar aggregate classification (germline): Uncertain significance (1 of 4 stars; one submission).

Conditions:
Immunodeficiency 132A. Also called: Herpes simplex encephalitis, susceptibility to, 3. Identifiers: Orphanet 1930, MedGen C3553868, MONDO:0013920, OMIM 614849.

Allele frequency attached by ClinVar (database versions not stated): gnomAD 0.00001; TOPMed 0.00001.
gnomAD v4.1: 1 of 1,613,000 alleles (0.000062%); highest among the groups gnomAD compares: Admixed American, 0.0017%; no homozygotes.

Submission:

Labcorp Genetics (formerly Invitae), Labcorp
Classification: Uncertain significance for Immunodeficiency 132A. Last evaluated: 2023-06-23. Review status: criteria provided, single submitter. Criteria: Invitae Variant Classification Sherloc (09022015). Collection method: clinical testing. Allele origin: germline.
Comment: This variant has not been reported in the literature in individuals affected with TRAF3-related conditions. This variant is not present in population databases (gnomAD no frequency). ClinVar contains an entry for this variant (Variation ID: 1989690). This sequence change replaces valine, which is neutral and non-polar, with leucine, which is neutral and non-polar, at codon 202 of the TRAF3 protein (p.Val202Leu). In summary, the available evidence is currently insufficient to determine the role of this variant in disease. Therefore, it has been classified as a Variant of Uncertain Significance. An algorithm developed to predict the effect of missense changes on protein structure and function (PolyPhen-2) suggests that this variant is likely to be tolerated.

NM_145725.3(TRAF3):c.604G>T (p.Val202Leu)

Genes: TRAF3 (TNF receptor associated factor 3; plus strand), LOC126862065 (BRD4-independent group 4 enhancer GRCh37_chr14:103352003-103353202; plus strand). Cytogenetic location: 14q32.32.
Variant type: single nucleotide variant.
Coding change: c.604G>T on transcript NM_145725.3 (MANE Select); coding-DNA position 604, G replaced by T.
Protein change: p.Val202Leu; replaces valine 202 with leucine.
Molecular consequence: missense variant. On other transcripts: intron variant (2).
Genome position (GRCh38, 1-based): chr14:102,886,222, G>T. VCF-style: chr14-102886222-G-T. GRCh37 (hg19) VCF-style: chr14-103352559-G-T.
Other names: c.604G>T, p.Val202Leu (NM_001385142.1, NM_003300.4, NM_145726.3); c.571-3338G>T (NM_001385143.1); c.570+9697G>T (NM_001199427.2); short protein forms V202L.
Identifiers: ClinVar variation 1989690 (VCV001989690.4), dbSNP rs1023557232, ClinGen allele CA267136375.